The following is an entry in ClinVar:

ClinVar aggregate classification (germline): Uncertain significance. Review status: criteria provided, multiple submitters, no conflicts (2 of 4 stars). 2 submissions from 2 submitters: Uncertain significance (2). Last evaluated 2023-09-12.

Conditions:
Cardiovascular phenotype. Identifiers: MedGen CN230736.
Alstrom syndrome (ALMS). Identifiers: Orphanet 64, MedGen C0268425, MONDO:0008763, OMIM 203800.

Submissions (2):

Ambry Genetics
Classification: Uncertain significance for Cardiovascular phenotype. Last evaluated: 2023-09-12. Review status: criteria provided, single submitter. Criteria: Ambry Variant Classification Scheme 2023. Collection method: clinical testing. Allele origin: germline.
Comment: The p.T3750N variant (also known as c.11249C>A), located in coding exon 16 of the ALMS1 gene, results from a C to A substitution at nucleotide position 11249. The threonine at codon 3750 is replaced by asparagine, an amino acid with similar properties. This amino acid position is not well conserved in available vertebrate species. In addition, this alteration is predicted to be tolerated by in silico analysis. Since supporting evidence is limited at this time, the clinical significance of this alteration remains unclear.

Labcorp Genetics (formerly Invitae), Labcorp
Classification: Uncertain significance for Alstrom syndrome. Last evaluated: 2022-07-30. Review status: criteria provided, single submitter. Criteria: Invitae Variant Classification Sherloc (09022015). Collection method: clinical testing. Allele origin: germline.
Comment: This sequence change replaces threonine, which is neutral and polar, with asparagine, which is neutral and polar, at codon 3750 of the ALMS1 protein (p.Thr3750Asn). This variant is not present in population databases (gnomAD no frequency). This variant has not been reported in the literature in individuals affected with ALMS1-related conditions. Experimental studies and prediction algorithms are not available or were not evaluated, and the functional significance of this variant is currently unknown. In summary, the available evidence is currently insufficient to determine the role of this variant in disease. Therefore, it has been classified as a Variant of Uncertain Significance.

NM_001378454.1(ALMS1):c.11246C>A (p.Thr3749Asn)

Gene: ALMS1 (ALMS1 centrosome and basal body associated protein; plus strand). Cytogenetic location: 2p13.1.
Variant type: single nucleotide variant.
Coding change: c.11246C>A on transcript NM_001378454.1 (MANE Select); coding-DNA position 11246, C replaced by A.
Protein change: p.Thr3749Asn; replaces threonine 3749 with asparagine.
Molecular consequence: missense variant.
Genome position (GRCh38, 1-based): chr2:73,573,123, C>A. VCF-style: chr2-73573123-C-A. GRCh37 (hg19) VCF-style: chr2-73800250-C-A.
Other names: c.11249C>A, p.Thr3750Asn (NM_015120.4); short protein forms T3749N, T3750N.
Identifiers: ClinVar variation 1714294 (VCV001714294.4), dbSNP rs746447460, ClinGen allele CA347288594.